The following is an entry in ClinVar:

NM_015378.4(VPS13D):c.7990+5T>C

Gene: VPS13D (vacuolar protein sorting 13 homolog D; plus strand). Cytogenetic location: 1p36.22.
Variant type: single nucleotide variant.
Coding change: c.7990+5T>C on transcript NM_015378.4 (MANE Select); 5 bases into the intron after coding-DNA position 7990, T replaced by C.
Molecular consequence: intron variant.
Genome position (GRCh38, 1-based): chr1:12,323,785, T>C. VCF-style: chr1-12323785-T-C. GRCh37 (hg19) VCF-style: chr1-12383842-T-C.
Other names: c.7990+5T>C (NM_018156.4).
Identifiers: ClinVar variation 1965409 (VCV001965409.5), dbSNP rs752687111, ClinGen allele CA602967.

ClinVar aggregate classification (germline): Uncertain significance (1 of 4 stars; one submission).

Allele frequency attached by ClinVar (database versions not stated): gnomAD exomes below 0.00001; ExAC 0.00001.
gnomAD v4.1: 2 of 1,613,958 alleles (0.00012%); highest among the groups gnomAD compares: Admixed American, 0.0033%; no homozygotes.

Submission:

Labcorp Genetics (formerly Invitae), Labcorp
Classification: Uncertain significance. Last evaluated: 2022-10-05. Review status: criteria provided, single submitter. Criteria: Invitae Variant Classification Sherloc (09022015). Collection method: clinical testing. Allele origin: germline.
Comment: In summary, the available evidence is currently insufficient to determine the role of this variant in disease. Therefore, it has been classified as a Variant of Uncertain Significance. Variants that disrupt the consensus splice site are a relatively common cause of aberrant splicing (PMID: 17576681, 9536098). Algorithms developed to predict the effect of sequence changes on RNA splicing suggest that this variant is not likely to affect RNA splicing. This variant has not been reported in the literature in individuals affected with VPS13D-related conditions. This variant is present in population databases (rs752687111, gnomAD 0.003%). This sequence change falls in intron 35 of the VPS13D gene. It does not directly change the encoded amino acid sequence of the VPS13D protein. It affects a nucleotide within the consensus splice site.

Literature cited by the submitters: PubMed 17576681; PubMed 9536098.